The following is an entry in ClinVar:

ClinVar aggregate classification (germline): Pathogenic (1 of 4 stars; one submission).

Conditions:
Treacher Collins syndrome 1 (TCS1). Also called: TCOF1-Related Treacher Collins Syndrome. Identifiers: Orphanet 861, MedGen CN315775, MONDO:0007944, OMIM 154500.

Submission:

Foundation for Research in Genetics and Endocrinology, FRIGE's Institute of Human Genetics
Classification: Pathogenic for Treacher Collins syndrome 1. Last evaluated: 2020-07-14. Review status: criteria provided, single submitter. Criteria: ACMG Guidelines, 2015. Collection method: clinical testing. Allele origin: germline. Inheritance: Autosomal dominant inheritance. Affected: yes. Observed: 1 heterozygote.
Comment: A heterozygous single base pair deletion in exon 13 of the TCOF1 gene that results in a frameshift and premature truncation of the protein 10 amino acids downstream to codon 715 was detected. The observed variant c.2142delG (p.Ala715GlnfsTer10) has not been reported in the 1000 genomes and gnomAD databases. The in silico prediction of the variant is damaging by MutationTaster2. The reference region is conserved across mammals. In summary, the variant meets our criteria to be classified as pathogenic.

NM_001371623.1(TCOF1):c.2142+1del

Gene: TCOF1 (treacle ribosome biogenesis factor 1; plus strand). Cytogenetic location: 5q32.
Variant type: Deletion.
Coding change: c.2142+1del on transcript NM_001371623.1 (MANE Select); the canonical splice donor site of the intron after coding-DNA position 2142, one base deleted (G; older notation c.2142+1delG).
Molecular consequence: splice donor variant.
Genome position (GRCh38, 1-based): chr5:150,376,331, G deleted; the last of 2 consecutive G bases (chr5:150,376,330-150,376,331); deleting either gives the same sequence. VCF-style (leftmost placement, unchanged base first): chr5-150376329-AG-A. GRCh37 (hg19) VCF-style: chr5-149755892-AG-A.
Other names: c.2142+1del (NM_001135243.2, NM_001135244.2, NM_001195141.2 and 1 more transcripts); c.1911+1del (NM_001135245.2, NM_000356.4).
Identifiers: ClinVar variation 983523 (VCV000983523.3), dbSNP rs1763794839, ClinGen allele CA1139659198.